The following is an entry in ClinVar:

ClinVar aggregate classification (germline): Likely pathogenic (1 of 4 stars; one submission).

Conditions:
Fliedner-Zweier syndrome (FZS). Identifiers: MedGen C5882693, MONDO:0957787, OMIM 620511.

Submission:

3billion
Classification: Likely pathogenic for Fliedner-Zweier syndrome. Last evaluated: 2024-11-14. Review status: criteria provided, single submitter. Criteria: ACMG Guidelines, 2015. Collection method: clinical testing. Allele origin: germline. Affected: yes.
Comment: The variant is not observed in the gnomAD v4.1.0 dataset. Predicted Consequence/Location: Canonical splice site: predicted to alter splicing and result in a loss or disruption of normal protein function. Multiple pathogenic loss-of-function variants are reported downstream of the variant. In silico tools predict the variant to alter splicing and produce an abnormal transcript [SpliceAI: 1.00 (spliceogenicity >=0.2, non-spliceogenicity <0.1)]. Therefore, this variant is classified as Likely pathogenic according to the recommendation of ACMG/AMP guideline.

NM_020706.2(SCAF4):c.30+2del

Genes: SCAF4 (SR-related CTD associated factor 4; minus strand), LOC130066536 (ATAC-STARR-seq lymphoblastoid silent region 13243; plus strand). Cytogenetic location: 21q22.11.
Variant type: Deletion.
Coding change: c.30+2del on transcript NM_020706.2 (MANE Select); the canonical splice donor site of the intron after coding-DNA position 30, one base deleted (T; older notation c.30+2delT).
Molecular consequence: splice donor variant.
Genome position (GRCh38, 1-based): chr21:31,731,661, A deleted on the plus strand (T on the coding strand, the reverse complement: SCAF4 is on the minus strand). VCF-style (leftmost placement, unchanged base first): chr21-31731660-TA-T. GRCh37 (hg19) VCF-style: chr21-33103973-TA-T.
Other names: c.30+2del (NM_001145444.1, NM_001145445.1).
Identifiers: ClinVar variation 4293568 (VCV004293568.1).
Genomic context (GRCh38, chr21:31,731,660, plus strand): 5'-GGGAGAAACGAGCCCCGGCTCCCGCAGCAGGCCCGGCACCCCCCTGCCCCAAACACCCCT[TA>T]CCTCCTGGTTGAAGGCGTTGACGGCGTCCATGTTCGCGCTGCGGCGGCGGCTGCTCCGGG-3'